The following is an entry in ClinVar:

ClinVar aggregate classification (germline): Uncertain significance. Review status: criteria provided, multiple submitters, no conflicts (2 of 4 stars). 4 submissions from 4 submitters: Uncertain significance (3). 1 of the submissions does not count toward it. Last evaluated 2024-05-15.

Conditions:
Retinitis pigmentosa 71 (RP71). Identifiers: Orphanet 791, MedGen C4225342, MONDO:0014618, OMIM 616394.
Bardet-Biedl syndrome 20. Identifiers: MedGen C4310707, MONDO:0023670, OMIM 619471, MONDO:0014926.
Short-rib thoracic dysplasia 10 with or without polydactyly (SRTD10). Identifiers: Orphanet 474, MedGen C3810175, MONDO:0014284, OMIM 615630.
Inborn genetic diseases. Identifiers: MedGen C0950123, MeSH D030342.
IFT172-related disorder. Also called: IFT172-related disorders; IFT172-related condition.

Allele frequency attached by ClinVar (database versions not stated): gnomAD exomes 0.00001 and below 0.00001; gnomAD 0.00001; TOPMed 0.00001.
gnomAD v4.1: 4 of 1,614,040 alleles (0.00025%); highest among the groups gnomAD compares: Admixed American, 0.005%; no homozygotes.

Submissions (4):

Fulgent Genetics
Classification: Uncertain significance for Short-rib thoracic dysplasia 10 with or without polydactyly; Retinitis pigmentosa 71; Bardet-Biedl syndrome 20. Last evaluated: 2024-05-15. Review status: criteria provided, single submitter. Criteria: ACMG Guidelines, 2015. Collection method: clinical testing. Allele origin: germline.

Ambry Genetics
Classification: Uncertain significance for Inborn genetic diseases. Last evaluated: 2024-03-20. Review status: criteria provided, single submitter. Criteria: Ambry Variant Classification Scheme 2023. Collection method: clinical testing. Allele origin: germline.

Labcorp Genetics (formerly Invitae), Labcorp
Classification: Uncertain significance for Retinitis pigmentosa 71; Short-rib thoracic dysplasia 10 with or without polydactyly. Last evaluated: 2022-06-27. Review status: criteria provided, single submitter. Criteria: Invitae Variant Classification Sherloc (09022015). Collection method: clinical testing. Allele origin: germline.
Comment: This variant has not been reported in the literature in individuals affected with IFT172-related conditions. In summary, the available evidence is currently insufficient to determine the role of this variant in disease. Therefore, it has been classified as a Variant of Uncertain Significance. Algorithms developed to predict the effect of missense changes on protein structure and function (SIFT, PolyPhen-2, Align-GVGD) all suggest that this variant is likely to be tolerated. ClinVar contains an entry for this variant (Variation ID: 858881). This variant is present in population databases (no rsID available, gnomAD 0.003%). This sequence change replaces alanine, which is neutral and non-polar, with serine, which is neutral and polar, at codon 805 of the IFT172 protein (p.Ala805Ser).

PreventionGenetics, part of Exact Sciences
Classification: Uncertain significance for IFT172-related condition. Last evaluated: 2024-07-02. Review status: no assertion criteria provided. Collection method: clinical testing. Allele origin: germline. Not counted in ClinVar's aggregate classification.
Comment: The IFT172 c.2413G>T variant is predicted to result in the amino acid substitution p.Ala805Ser. To our knowledge, this variant has not been reported in the literature. This variant is reported in 0.0058% of alleles in individuals of Latino descent in gnomAD. At this time, the clinical significance of this variant is uncertain due to the absence of conclusive functional and genetic evidence.

NM_015662.3(IFT172):c.2413G>T (p.Ala805Ser)

Gene: IFT172 (intraflagellar transport 172; minus strand). Cytogenetic location: 2p23.3.
Variant type: single nucleotide variant.
Coding change: c.2413G>T on transcript NM_015662.3 (MANE Select); coding-DNA position 2413, G replaced by T.
Protein change: p.Ala805Ser; replaces alanine 805 with serine.
Molecular consequence: missense variant.
Genome position (GRCh38, 1-based): chr2:27,461,298, C>A on the plus strand (G>T on the coding strand, the complement: IFT172 is on the minus strand). VCF-style: chr2-27461298-C-A. GRCh37 (hg19) VCF-style: chr2-27684165-C-A.
Other names: c.2413G>T (NM_015662.1); short protein forms A805S.
Identifiers: ClinVar variation 858881 (VCV000858881.11), dbSNP rs1387032631, ClinGen allele CA346383995.
Genomic context (GRCh38, chr2:27,461,298, plus strand): 5'-GATAAGGGCTAGGAAAAGGAAGCCAGCATACCCTTTCGTAGAGTTCCCCCTTGATAAGGG[C>A]TGCAGTGATGTGTTCTACCAGCTCTGTGTTGGCTAGCAGTTCCTCTCGGGTCAGCACCAG-3'
Protein context (NP_056477.1, residues 795-815): NTELVEHITA[Ala805Ser]LIKGELYERA